The following is an entry in ClinVar:

ClinVar aggregate classification (germline): Uncertain significance (1 of 4 stars; one submission).

Allele frequency attached by ClinVar (database versions not stated): TOPMed below 0.00001; gnomAD 0.00001.

Submission:

Labcorp Genetics (formerly Invitae), Labcorp
Classification: Uncertain significance. Last evaluated: 2021-11-27. Review status: criteria provided, single submitter. Criteria: Invitae Variant Classification Sherloc (09022015). Collection method: clinical testing. Allele origin: germline.
Comment: This sequence change replaces serine, which is neutral and polar, with proline, which is neutral and non-polar, at codon 1293 of the NLRP1 protein (p.Ser1293Pro). This variant is present in population databases (no rsID available, gnomAD 0.01%). This variant has not been reported in the literature in individuals affected with NLRP1-related conditions. Algorithms developed to predict the effect of missense changes on protein structure and function are either unavailable or do not agree on the potential impact of this missense change (SIFT: "Deleterious"; PolyPhen-2: "Probably Damaging"; Align-GVGD: "Class C0"). In summary, the available evidence is currently insufficient to determine the role of this variant in disease. Therefore, it has been classified as a Variant of Uncertain Significance.

NM_033004.4(NLRP1):c.3877T>C (p.Ser1293Pro)

Gene: NLRP1 (NLR family pyrin domain containing 1; minus strand). Cytogenetic location: 17p13.2.
Variant type: single nucleotide variant.
Coding change: c.3877T>C on transcript NM_033004.4 (MANE Select); coding-DNA position 3877, T replaced by C.
Protein change: p.Ser1293Pro; replaces serine 1293 with proline.
Molecular consequence: missense variant. On other transcripts: intron variant (2).
Genome position (GRCh38, 1-based): chr17:5,520,919, A>G on the plus strand (T>C on the coding strand, the complement: NLRP1 is on the minus strand). VCF-style: chr17-5520919-A-G. GRCh37 (hg19) VCF-style: chr17-5424239-A-G.
Other names: c.3889T>C, p.Ser1297Pro (NM_001033053.3); c.3787T>C, p.Ser1263Pro (NM_033006.4); c.3693+605T>C (NM_033007.4); c.3783+605T>C (NM_014922.5); short protein forms S1293P, S1263P, S1297P.
Identifiers: ClinVar variation 1384674 (VCV001384674.6), dbSNP rs1238951606, ClinGen allele CA397388731.